The following is an entry in ClinVar:

ClinVar aggregate classification (germline): Uncertain significance (1 of 4 stars; one submission).

Allele frequency attached by ClinVar (database versions not stated): gnomAD exomes below 0.00001 and 0.00001; ExAC 0.00002.
gnomAD v4.1: 4 of 1,611,716 alleles (0.00025%); highest among the groups gnomAD compares: South Asian, 0.0044%; no homozygotes.

Submission:

Labcorp Genetics (formerly Invitae), Labcorp
Classification: Uncertain significance. Last evaluated: 2020-07-23. Review status: criteria provided, single submitter. Criteria: Invitae Variant Classification Sherloc (09022015). Collection method: clinical testing. Allele origin: germline.
Comment: In summary, the available evidence is currently insufficient to determine the role of this variant in disease. Therefore, it has been classified as a Variant of Uncertain Significance. Algorithms developed to predict the effect of missense changes on protein structure and function are either unavailable or do not agree on the potential impact of this missense change (SIFT: "Deleterious"; PolyPhen-2: "Possibly Damaging"; Align-GVGD: "Class C0"). This variant has not been reported in the literature in individuals with RBP3-related conditions. This variant is present in population databases (rs782667242, ExAC 0.01%). This sequence change replaces glutamine with histidine at codon 860 of the RBP3 protein (p.Gln860His). The glutamine residue is moderately conserved and there is a small physicochemical difference between glutamine and histidine.

NM_002900.3(RBP3):c.2580G>T (p.Gln860His)

Gene: RBP3 (retinol binding protein 3; plus strand). Cytogenetic location: 10q11.22.
Variant type: single nucleotide variant.
Coding change: c.2580G>T on transcript NM_002900.3 (MANE Select); coding-DNA position 2580, G replaced by T.
Protein change: p.Gln860His; replaces glutamine 860 with histidine.
Molecular consequence: missense variant.
Genome position (GRCh38, 1-based): chr10:47,351,064, G>T. VCF-style: chr10-47351064-G-T. GRCh37 (hg19) VCF-style: chr10-48388298-C-A.
Other names: short protein forms Q860H.
Identifiers: ClinVar variation 1004570 (VCV001004570.8), dbSNP rs782667242, ClinGen allele CA5487248.